The following is an entry in ClinVar:

ClinVar aggregate classification (germline): Uncertain significance. Review status: criteria provided, multiple submitters, no conflicts (2 of 4 stars). 2 submissions from 2 submitters: Uncertain significance (2). Last evaluated 2024-08-27.

Conditions:
Inborn genetic diseases. Identifiers: MedGen C0950123, MeSH D030342.

Allele frequency attached by ClinVar (database versions not stated): gnomAD exomes below 0.00001 and 0.00001; TOPMed below 0.00001; ExAC 0.00001; gnomAD 0.00001; 1000 Genomes Project 30x 0.00016; 1000 Genomes Project 0.00020.
gnomAD v4.1: 12 of 1,613,930 alleles (0.00074%); highest among the groups gnomAD compares: African/African-American, 0.0027%; no homozygotes.

Submissions (2):

Ambry Genetics
Classification: Uncertain significance for Inborn genetic diseases. Last evaluated: 2024-08-27. Review status: criteria provided, single submitter. Criteria: Ambry Variant Classification Scheme 2023. Collection method: clinical testing. Allele origin: germline.

GeneDx
Classification: Uncertain significance. Last evaluated: 2023-04-14. Review status: criteria provided, single submitter. Criteria: GeneDx Variant Classification Process June 2021. Collection method: clinical testing. Allele origin: germline. Affected: yes.
Comment: Not observed at significant frequency in large population cohorts (gnomAD); In silico analysis supports that this missense variant has a deleterious effect on protein structure/function; Missense variant in a gene in which most reported pathogenic variants are truncating/loss of function; Has not been previously published as pathogenic or benign to our knowledge

NM_001378120.1(MBD5):c.4192C>T (p.Arg1398Trp)

Gene: MBD5 (methyl-CpG binding domain protein 5; plus strand). Cytogenetic location: 2q23.1.
Variant type: single nucleotide variant.
Coding change: c.4192C>T on transcript NM_001378120.1 (MANE Select); coding-DNA position 4192, C replaced by T.
Protein change: p.Arg1398Trp; replaces arginine 1398 with tryptophan.
Molecular consequence: missense variant.
Genome position (GRCh38, 1-based): chr2:148,489,824, C>T. VCF-style: chr2-148489824-C-T. GRCh37 (hg19) VCF-style: chr2-149247393-C-T.
Other names: c.3493C>T, p.Arg1165Trp (NM_018328.5); short protein forms R1165W, R1398W.
Identifiers: ClinVar variation 432456 (VCV000432456.4), dbSNP rs558876535, ClinGen allele CA1900396.
Genomic context (GRCh38, chr2:148,489,824, plus strand): 5'-CATGGACGGAACATGGGAGGTGTTGATCATGATGGTAGGCTGAGGAATTCAAGAGGGGCT[C>T]GGCTGCCCAAGAATCTAGACCATGGGAAAAATGTGAACGAAGGAGATGGGTTTGAATATT-3'
Protein context (NP_001365049.1, residues 1388-1408): DGRLRNSRGA[Arg1398Trp]LPKNLDHGKN